The following is an entry in ClinVar:

ClinVar aggregate classification (germline): Uncertain significance (1 of 4 stars; one submission).

Conditions:
Peroxisome biogenesis disorder 7A (Zellweger). Also called: Peroxisome biogenesis disorder 7A. Identifiers: Orphanet 912, MedGen C3888385, MONDO:0013938, OMIM 614872.
Peroxisome biogenesis disorder 7B (PBD7B). Identifiers: Orphanet 44, MedGen C3553951, MONDO:0013939, OMIM 614873.

Allele frequency attached by ClinVar (database versions not stated): gnomAD exomes 0.00001; TOPMed 0.00001.
gnomAD v4.1: 6 of 1,614,132 alleles (0.00037%); highest among the groups gnomAD compares: Admixed American, 0.005%; no homozygotes.

Submission:

Labcorp Genetics (formerly Invitae), Labcorp
Classification: Uncertain significance for Peroxisome biogenesis disorder 7A (Zellweger); Peroxisome biogenesis disorder 7B. Last evaluated: 2022-08-23. Review status: criteria provided, single submitter. Criteria: Invitae Variant Classification Sherloc (09022015). Collection method: clinical testing. Allele origin: germline.
Comment: This sequence change replaces alanine, which is neutral and non-polar, with valine, which is neutral and non-polar, at codon 259 of the PEX26 protein (p.Ala259Val). This variant is present in population databases (no rsID available, gnomAD 0.006%). This variant has not been reported in the literature in individuals affected with PEX26-related conditions. ClinVar contains an entry for this variant (Variation ID: 1376232). Algorithms developed to predict the effect of missense changes on protein structure and function (SIFT, PolyPhen-2, Align-GVGD) all suggest that this variant is likely to be disruptive. In summary, the available evidence is currently insufficient to determine the role of this variant in disease. Therefore, it has been classified as a Variant of Uncertain Significance.

NM_001127649.3(PEX26):c.776C>T (p.Ala259Val)

Gene: PEX26 (peroxisomal biogenesis factor 26; plus strand). Cytogenetic location: 22q11.21.
Variant type: single nucleotide variant.
Coding change: c.776C>T on transcript NM_001127649.3 (MANE Select); coding-DNA position 776, C replaced by T.
Protein change: p.Ala259Val; replaces alanine 259 with valine.
Molecular consequence: missense variant. On other transcripts: intron variant (1).
Genome position (GRCh38, 1-based): chr22:18,085,220, C>T. VCF-style: chr22-18085220-C-T. GRCh37 (hg19) VCF-style: chr22-18567986-C-T.
Other names: c.776C>T, p.Ala259Val (NM_017929.6); c.667+1488C>T (NM_001199319.2); short protein forms A259V.
Identifiers: ClinVar variation 1376232 (VCV001376232.3), dbSNP rs1438615858, ClinGen allele CA410268686.
Genomic context (GRCh38, chr22:18,085,220, plus strand): 5'-TTTGGGACTCTGCGGTGAGCCACTTCTTTTCTCTGCCCTTCAAAAAGAGTCTCCTGGCTG[C>T]CTTGATCCTCTGTCTCCTGGTGGTGAGATTTGATCCAGGTAAGAGGTGGAGACTCTCCCC-3'
Protein context (NP_001121121.1, residues 249-269): SLPFKKSLLA[Ala259Val]LILCLLVVRF